The following is an entry in ClinVar:

ClinVar aggregate classification (germline): Uncertain significance (1 of 4 stars; one submission).

Submission:

GeneDx
Classification: Uncertain significance. Last evaluated: 2026-10-09. Review status: criteria provided, single submitter. Criteria: GeneDx Variant Classification Process June 2021. Collection method: clinical testing. Allele origin: germline.
Comment: Has not been previously published as pathogenic or benign to our knowledge; Not observed at significant frequency in large population cohorts (gnomAD); In silico analysis supports that this missense variant has a deleterious effect on protein structure/function

NM_001079668.3(NKX2-1):c.623G>T (p.Arg208Leu)

Genes: NKX2-1 (NK2 homeobox 1; minus strand), SFTA3 (surfactant associated 3; minus strand). Cytogenetic location: 14q13.3.
Variant type: single nucleotide variant.
Coding change: c.623G>T on transcript NM_001079668.3 (MANE Select); coding-DNA position 623, G replaced by T.
Protein change: p.Arg208Leu; replaces arginine 208 with leucine.
Molecular consequence: missense variant.
Genome position (GRCh38, 1-based): chr14:36,517,861, C>A on the plus strand (G>T on the coding strand, the complement: NKX2-1 is on the minus strand). VCF-style: chr14-36517861-C-A. GRCh37 (hg19) VCF-style: chr14-36987066-C-A.
Other names: c.533G>T, p.Arg178Leu (NM_003317.4); short protein forms R178L, R208L.
Identifiers: ClinVar variation 3364431 (VCV003364431.2).